The following is an entry in ClinVar:

NM_001128840.3(CACNA1D):c.5771A>C (p.Asn1924Thr)

Gene: CACNA1D (calcium voltage-gated channel subunit alpha1 D; plus strand). Cytogenetic location: 3p21.1.
Variant type: single nucleotide variant.
Coding change: c.5771A>C on transcript NM_001128840.3 (MANE Select); coding-DNA position 5771, A replaced by C.
Protein change: p.Asn1924Thr; replaces asparagine 1924 with threonine.
Molecular consequence: missense variant.
Genome position (GRCh38, 1-based): chr3:53,808,670, A>C. VCF-style: chr3-53808670-A-C. GRCh37 (hg19) VCF-style: chr3-53842697-A-C.
Other names: c.5831A>C, p.Asn1944Thr (NM_000720.4); c.5699A>C, p.Asn1900Thr (NM_001128839.3); short protein forms N1924T, N1900T, N1944T.
Identifiers: ClinVar variation 1486127 (VCV001486127.8), dbSNP rs752740909, ClinGen allele CA2455264.
Genomic context (GRCh38, chr3:53,808,670, plus strand): 5'-ACTTGCTTCACAGCTGTGTGATGCCCTTTGCTTTCCCAGCCCACCGGAGATCCTCCTTCA[A>C]CTTTGAGTGCCTGCGCCGGCAGAGCAGCCAGGAAGAGGTCCCGTCGTCTCCCATCTTCCC-3'
Protein context (NP_001122312.1, residues 1914-1934): TPASHRRSSF[Asn1924Thr]FECLRRQSSQ

ClinVar aggregate classification (germline): Uncertain significance (1 of 4 stars; one submission).

Allele frequency attached by ClinVar (database versions not stated): gnomAD 0.00001; gnomAD exomes 0.00001; ExAC 0.00002.
gnomAD v4.1: 11 of 1,609,036 alleles (0.00068%); highest among the groups gnomAD compares: East Asian, 0.025%; no homozygotes.

Submission:

Labcorp Genetics (formerly Invitae), Labcorp
Classification: Uncertain significance. Last evaluated: 2024-12-06. Review status: criteria provided, single submitter. Criteria: Invitae Variant Classification Sherloc (09022015). Collection method: clinical testing. Allele origin: germline.
Comment: This sequence change replaces asparagine, which is neutral and polar, with threonine, which is neutral and polar, at codon 1944 of the CACNA1D protein (p.Asn1944Thr). This variant is present in population databases (rs752740909, gnomAD 0.01%). This variant has not been reported in the literature in individuals affected with CACNA1D-related conditions. ClinVar contains an entry for this variant (Variation ID: 1486127). An algorithm developed to predict the effect of missense changes on protein structure and function (PolyPhen-2) suggests that this variant is likely to be tolerated. In summary, the available evidence is currently insufficient to determine the role of this variant in disease. Therefore, it has been classified as a Variant of Uncertain Significance.